The following is an entry in ClinVar:

ClinVar aggregate classification (germline): Uncertain significance (1 of 4 stars; one submission).

Submission:

Labcorp Genetics (formerly Invitae), Labcorp
Classification: Uncertain significance. Last evaluated: 2024-02-19. Review status: criteria provided, single submitter. Criteria: Invitae Variant Classification Sherloc (09022015). Collection method: clinical testing. Allele origin: germline.
Comment: This variant, c.4557_4562dup, results in the insertion of 2 amino acid(s) of the TOP2B protein (p.Asp1520_Ser1521dup), but otherwise preserves the integrity of the reading frame. This variant is not present in population databases (gnomAD no frequency). This variant has not been reported in the literature in individuals affected with TOP2B-related conditions. ClinVar contains an entry for this variant (Variation ID: 2085927). In summary, the available evidence is currently insufficient to determine the role of this variant in disease. Therefore, it has been classified as a Variant of Uncertain Significance.

NM_001330700.2(TOP2B):c.4572_4577dup (p.Ser1526_Glu1527insAspSer)

Gene: TOP2B (DNA topoisomerase II beta; minus strand). Cytogenetic location: 3p24.2.
Variant type: Duplication.
Coding change: c.4572_4577dup on transcript NM_001330700.2 (MANE Select); coding-DNA positions 4572 to 4577, 6 bases duplicated (GGATTC; older notation c.4572_4577dupGGATTC).
Protein change: p.Ser1526_Glu1527insAspSer.
Molecular consequence: inframe insertion.
Genome position (GRCh38, 1-based): chr3:25,601,138-25,601,143, GAATCC duplicated on the plus strand (GGATTC on the coding strand, the reverse complement: TOP2B is on the minus strand); duplicating any 6 consecutive bases within chr3:25,601,138-25,601,145 gives the same sequence; the c. name uses the placement nearest the transcript's 3' end. VCF-style (leftmost placement, unchanged base first): chr3-25601137-T-TGAATCC. GRCh37 (hg19) VCF-style: chr3-25642628-T-TGAATCC.
Other names: c.4557_4562dup, p.Ser1521_Glu1522insAspSer (NM_001068.3).
Identifiers: ClinVar variation 2085927 (VCV002085927.4), dbSNP rs2529853994, ClinGen allele CA2580069219.